The following is an entry in ClinVar:

NM_001040108.2(MLH3):c.1514T>G (p.Leu505Ter)

Gene: MLH3 (mutL homolog 3; minus strand). Cytogenetic location: 14q24.3.
Variant type: single nucleotide variant.
Coding change: c.1514T>G on transcript NM_001040108.2 (MANE Select); coding-DNA position 1514, T replaced by G.
Protein change: p.Leu505Ter; replaces leucine 505 with a stop codon.
Molecular consequence: nonsense.
Genome position (GRCh38, 1-based): chr14:75,048,142, A>C on the plus strand (T>G on the coding strand, the complement: MLH3 is on the minus strand). VCF-style: chr14-75048142-A-C. GRCh37 (hg19) VCF-style: chr14-75514845-A-C.
Other names: c.1514T>G, p.Leu505Ter (NM_014381.3); short protein forms L505*.
Identifiers: ClinVar variation 3295140 (VCV003295140.2).

ClinVar aggregate classification (germline): Pathogenic (1 of 4 stars; one submission).

Submission:

Ambry Genetics
Classification: Pathogenic. Last evaluated: 2026-05-29. Review status: criteria provided, single submitter. Criteria: Ambry Variant Classification Scheme 2023. Collection method: clinical testing. Allele origin: germline.
Comment: The p.L505* pathogenic mutation (also known as c.1514T>G), located in coding exon 1 of the MLH3 gene, results from a T to G substitution at nucleotide position 1514. This changes the amino acid from a leucine to a stop codon within coding exon 1. This variant is considered to be rare based on population cohorts in the Genome Aggregation Database (gnomAD). This alteration is expected to result in loss of function by premature protein truncation or nonsense-mediated mRNA decay. As such, this alteration is interpreted as a disease-causing mutation.